The following is an entry in ClinVar:

NM_001197104.2(KMT2A):c.5942G>A (p.Arg1981Gln)

Gene: KMT2A (lysine methyltransferase 2A; plus strand). Cytogenetic location: 11q23.3.
Variant type: single nucleotide variant.
Coding change: c.5942G>A on transcript NM_001197104.2 (MANE Select); coding-DNA position 5942, G replaced by A.
Protein change: p.Arg1981Gln; replaces arginine 1981 with glutamine.
Molecular consequence: missense variant.
Genome position (GRCh38, 1-based): chr11:118,498,509, G>A. VCF-style: chr11-118498509-G-A. GRCh37 (hg19) VCF-style: chr11-118369224-G-A.
Other names: c.6032G>A, p.Arg2011Gln (NM_001412597.1); c.5933G>A, p.Arg1978Gln (NM_005933.4); short protein forms R1978Q, R1981Q, R2011Q.
Identifiers: ClinVar variation 2633602 (VCV002633602.4), dbSNP rs781881985, ClinGen allele CA6304133.

ClinVar aggregate classification (germline): Uncertain significance. Review status: criteria provided, multiple submitters, no conflicts (2 of 4 stars). 2 submissions from 2 submitters: Uncertain significance (2). Last evaluated 2025-09-08.

Conditions:
KMT2A-related disorder. Also called: KMT2A-related condition.

Allele frequency attached by ClinVar (database versions not stated): gnomAD exomes 0.00001; ExAC 0.00002.

Submissions (2):

Labcorp Genetics (formerly Invitae), Labcorp
Classification: Uncertain significance. Last evaluated: 2025-09-08. Review status: criteria provided, single submitter. Criteria: Invitae Variant Classification Sherloc (09022015). Collection method: clinical testing. Allele origin: germline.
Comment: This sequence change replaces arginine, which is basic and polar, with glutamine, which is neutral and polar, at codon 1981 of the KMT2A protein (p.Arg1981Gln). This variant is present in population databases (rs781881985, gnomAD 0.003%). This variant has not been reported in the literature in individuals affected with KMT2A-related conditions. ClinVar contains an entry for this variant (Variation ID: 2633602). Invitae Evidence Modeling of protein sequence and biophysical properties (such as structural, functional, and spatial information, amino acid conservation, physicochemical variation, residue mobility, and thermodynamic stability) indicates that this missense variant is not expected to disrupt KMT2A protein function with a negative predictive value of 95%. In summary, the available evidence is currently insufficient to determine the role of this variant in disease. Therefore, it has been classified as a Variant of Uncertain Significance.

PreventionGenetics, part of Exact Sciences
Classification: Uncertain significance for KMT2A-related condition. Last evaluated: 2023-04-04. Review status: criteria provided, single submitter. Criteria: ACMG Guidelines, 2015. Collection method: clinical testing. Allele origin: germline.
Comment: The KMT2A c.5942G>A variant is predicted to result in the amino acid substitution p.Arg1981Gln. To our knowledge, this variant has not been reported in the literature. This variant is reported in 0.0033% of alleles in individuals of South Asian descent in gnomAD. At this time, the clinical significance of this variant is uncertain due to the absence of conclusive functional and genetic evidence.